The following is an entry in ClinVar:

NM_001372.4(DNAH9):c.10250T>G (p.Ile3417Ser)

Genes: DNAH9 (dynein axonemal heavy chain 9; plus strand), LOC101928350 (uncharacterized LOC101928350; minus strand). Cytogenetic location: 17p12.
Variant type: single nucleotide variant.
Coding change: c.10250T>G on transcript NM_001372.4 (MANE Select); coding-DNA position 10250, T replaced by G.
Protein change: p.Ile3417Ser; replaces isoleucine 3417 with serine.
Molecular consequence: missense variant.
Genome position (GRCh38, 1-based): chr17:11,874,956, T>G. VCF-style: chr17-11874956-T-G. GRCh37 (hg19) VCF-style: chr17-11778273-T-G.
Other names: c.10250T>G (NM_001372.3); short protein forms I3417S.
Identifiers: ClinVar variation 1558804 (VCV001558804.13), dbSNP rs141082617, ClinGen allele CA8397464.
Genomic context (GRCh38, chr17:11,874,956, plus strand): 5'-CTGAGAATGTCTGCTTCTGTTCTGAGCGTGGGGTGGTGTTTCTTCTTCACCAGACTCCCA[T>G]TCCAGTCACCCCAGCCCTGGATCCCCTGAGGATGCTGATGGATGATGCTGACGTGGCTGC-3'
Protein context (NP_001363.2, residues 3407-3427): RPYLSQLKTP[Ile3417Ser]PVTPALDPLR

ClinVar aggregate classification (germline): Benign/Likely benign. Review status: criteria provided, multiple submitters, no conflicts (2 of 4 stars). 4 submissions from 4 submitters: Benign (2); Likely benign (1). 1 of the submissions does not count toward it. Last evaluated 2026-02-01.

Conditions:
DNAH9-related disorder. Also called: DNAH9-related condition.

Allele frequency attached by ClinVar (database versions not stated): gnomAD exomes 0.00036 and 0.00106; ExAC 0.00122; 1000 Genomes Project 0.00319; gnomAD 0.00327 and 0.00355; 1000 Genomes Project 30x 0.00359; TOPMed 0.00394; ESP Exome Variant Server 0.00431.
gnomAD v4.1: 1,029 of 1,613,416 alleles (0.064%); highest among the groups gnomAD compares: African/African-American, 1.2%; 4 homozygotes.

Submissions (6):

Labcorp Genetics (formerly Invitae), Labcorp
Classification: Benign. Last evaluated: 2026-02-01. Review status: criteria provided, single submitter. Criteria: Invitae Variant Classification Sherloc (09022015). Collection method: clinical testing. Allele origin: germline.

Blueprint Genetics
Classification: Likely benign. Last evaluated: 2023-10-02. Review status: criteria provided, single submitter. Criteria: ACMG Guidelines, 2015. Collection method: clinical testing. Allele origin: germline.

Breakthrough Genomics
Classification: Benign. Review status: criteria provided, single submitter. Criteria: ACMG Guidelines, 2015. Collection method: not provided. Allele origin: germline. Inheritance: Autosomal recessive inheritance. Affected: yes.

PreventionGenetics, part of Exact Sciences
Classification: Benign for DNAH9-related condition. Last evaluated: 2019-10-28. Review status: no assertion criteria provided. Collection method: clinical testing. Allele origin: germline. Not counted in ClinVar's aggregate classification.
Comment: This variant is classified as benign based on ACMG/AMP sequence variant interpretation guidelines (Richards et al. 2015 PMID: 25741868, with internal and published modifications).

Dr. Peter K. Rogan Lab, Western University
No classification provided (evidence only). Condition: Clear cell carcinoma of kidney. Review status: no classification provided. Collection method: in vitro. Allele origin: not applicable. Functional consequence: retained intron. Not counted in ClinVar's aggregate classification.

Dr. Peter K. Rogan Lab, Western University
No classification provided (evidence only). Condition: Uterine corpus endometrial carcinoma. Review status: no classification provided. Collection method: in vitro. Allele origin: not applicable. Functional consequence: retained intron. Not counted in ClinVar's aggregate classification.